The following is an entry in ClinVar:

ClinVar aggregate classification (germline): Likely pathogenic (1 of 4 stars; one submission).

Conditions:
X-linked ichthyosis with steryl-sulfatase deficiency (XLI). Also called: Recessive X-linked ichthyosis; PLACENTAL STEROID SULFATASE DEFICIENCY; STEROID SULFATASE DEFICIENCY; STEROID SULFATASE DEFICIENCY DISEASE; STS DEFICIENCY; Ichthyosis, X-Linked. Identifiers: Orphanet 461, MedGen C0079588, MONDO:0010622, OMIM 308100.

Submission:

Juno Genomics, Hangzhou Juno Genomics, Inc
Classification: Likely pathogenic for X-linked ichthyosis with steryl-sulfatase deficiency. Review status: criteria provided, single submitter. Criteria: ACMG Guidelines, 2015. Collection method: clinical testing. Allele origin: germline.
Comment: Absent from controls (or at extremely low frequency if recessive) in Genome Aggregation Database.;Null variant in a gene where loss of function (LOF) is a known mechanism of disease.

NM_001320752.2(STS):c.1241+1G>C

Gene: STS (steroid sulfatase; plus strand). Cytogenetic location: Xp22.31.
Variant type: single nucleotide variant.
Coding change: c.1241+1G>C on transcript NM_001320752.2 (MANE Select); the canonical splice donor site of the intron after coding-DNA position 1241, G replaced by C.
Molecular consequence: splice donor variant.
Genome position (GRCh38, 1-based): chrX:7,325,499, G>C. VCF-style: chrX-7325499-G-C. GRCh37 (hg19) VCF-style: chrX-7243540-G-C.
Other names: c.1277+1G>C (NM_001320750.3, NM_001320751.2); c.1241+1G>C (NM_000351.7, NM_001320753.2, NM_001320754.2).
Identifiers: ClinVar variation 3382684 (VCV003382684.3).